The following is an entry in ClinVar:

ClinVar aggregate classification (germline): Uncertain significance (1 of 4 stars; one submission).

Allele frequency attached by ClinVar (database versions not stated): TOPMed below 0.00001; gnomAD 0.00002.
gnomAD v4.1: 5 of 1,614,228 alleles (0.00031%); highest among the groups gnomAD compares: East Asian, 0.0022%; no homozygotes.

Submission:

CeGaT Center for Human Genetics Tuebingen
Classification: Uncertain significance. Last evaluated: 2023-06-01. Review status: criteria provided, single submitter. Criteria: CeGaT Center For Human Genetics Tuebingen Variant Classification Criteria Version 2. Collection method: clinical testing. Allele origin: germline. Affected: yes. Observed: 1 variant allele.
Comment: GCDH: PM2, PP4

NM_000159.4(GCDH):c.122C>T (p.Ala41Val)

Genes: GCDH (glutaryl-CoA dehydrogenase; plus strand), LOC117125594 (CRISPRi-FlowFISH-validated KLF1 regulatory element; plus strand). Cytogenetic location: 19p13.13.
Variant type: single nucleotide variant.
Coding change: c.122C>T on transcript NM_000159.4 (MANE Select); coding-DNA position 122, C replaced by T.
Protein change: p.Ala41Val; replaces alanine 41 with valine.
Molecular consequence: missense variant. On other transcripts: non-coding transcript variant (2).
Genome position (GRCh38, 1-based): chr19:12,891,517, C>T. VCF-style: chr19-12891517-C-T. GRCh37 (hg19) VCF-style: chr19-13002331-C-T.
Other names: c.122C>T, p.Ala41Val (NM_013976.5); short protein forms A41V.
Identifiers: ClinVar variation 2571032 (VCV002571032.27), dbSNP rs1173513597, ClinGen allele CA404314475.